The following is an entry in ClinVar:

NM_015665.6(AAAS):c.1448C>T (p.Pro483Leu)

Gene: AAAS (aladin WD repeat nucleoporin; minus strand). Cytogenetic location: 12q13.13.
Variant type: single nucleotide variant.
Coding change: c.1448C>T on transcript NM_015665.6 (MANE Select); coding-DNA position 1448, C replaced by T.
Protein change: p.Pro483Leu; replaces proline 483 with leucine.
Molecular consequence: missense variant.
Genome position (GRCh38, 1-based): chr12:53,307,682, G>A on the plus strand (C>T on the coding strand, the complement: AAAS is on the minus strand). VCF-style: chr12-53307682-G-A. GRCh37 (hg19) VCF-style: chr12-53701466-G-A.
Other names: c.1349C>T, p.Pro450Leu (NM_001173466.2); short protein forms P483L, P450L.
Identifiers: ClinVar variation 1479731 (VCV001479731.7), dbSNP rs751967235, ClinGen allele CA6598830.
Genomic context (GRCh38, chr12:53,307,682, plus strand): 5'-TCCTGGGCCCGCCCAAGCACTGGGCTAAAACGTGGAAACTGGGCATTGACAAAGTACAGC[G>A]GGATGTGGGCAATTCGGCCTGTGGACCAGCCCTGCAGAGAAGGGAAAGAAAAGGATCAGA-3'
Protein context (NP_056480.1, residues 473-493): GWSTGRIAHI[Pro483Leu]LYFVNAQFPR

ClinVar aggregate classification (germline): Uncertain significance. Review status: criteria provided, multiple submitters, no conflicts (2 of 4 stars). 2 submissions from 2 submitters: Uncertain significance (2). Last evaluated 2026-01-04.

Conditions:
Glucocorticoid deficiency with achalasia (AAAS). Also called: Alacrima-achalasia-addisonianism; ACTH-resistant adrenal insufficiency, achalasia and alacrima; Glucocorticoid deficiency and achalasia; Hypoadrenalism with achalasia; AAA syndrome; Allgrove syndrome. Identifiers: Orphanet 869, MedGen C0271742, MONDO:0009279, OMIM 231550.

Allele frequency attached by ClinVar (database versions not stated): TOPMed below 0.00001; gnomAD 0.00001; gnomAD exomes 0.00001; ExAC 0.00002.

Submissions (2):

Labcorp Genetics (formerly Invitae), Labcorp
Classification: Uncertain significance. Last evaluated: 2026-01-04. Review status: criteria provided, single submitter. Criteria: Invitae Variant Classification Sherloc (09022015). Collection method: clinical testing. Allele origin: germline.
Comment: This sequence change replaces proline, which is neutral and non-polar, with leucine, which is neutral and non-polar, at codon 483 of the AAAS protein (p.Pro483Leu). This variant is present in population databases (rs751967235, gnomAD 0.004%). This variant has not been reported in the literature in individuals affected with AAAS-related conditions. ClinVar contains an entry for this variant (Variation ID: 1479731). Invitae Evidence Modeling of protein sequence and biophysical properties (such as structural, functional, and spatial information, amino acid conservation, physicochemical variation, residue mobility, and thermodynamic stability) indicates that this missense variant is expected to disrupt AAAS protein function with a positive predictive value of 80%. In summary, the available evidence is currently insufficient to determine the role of this variant in disease. Therefore, it has been classified as a Variant of Uncertain Significance.

Fulgent Genetics
Classification: Uncertain significance for Glucocorticoid deficiency with achalasia. Last evaluated: 2022-01-05. Review status: criteria provided, single submitter. Criteria: ACMG Guidelines, 2015. Collection method: clinical testing. Allele origin: unknown.